The following is an entry in ClinVar:

ClinVar aggregate classification (germline): Conflicting classifications of pathogenicity. Review status: criteria provided, conflicting classifications (1 of 4 stars). 6 submissions from 6 submitters: Uncertain significance (4); Likely benign (2). Last evaluated 2026-01-05.

Conditions:
Hereditary cancer-predisposing syndrome. Also called: Tumor predisposition; Hereditary neoplastic syndrome; Neoplastic Syndromes, Hereditary; Hereditary Cancer Syndrome. Identifiers: Orphanet 140162, MedGen C0027672, MeSH D009386, MONDO:0015356.
Multiple endocrine neoplasia, type 1 (MEN1). Also called: MEN I; WERMER SYNDROME; Endocrine adenomatosis multiple; MEN 1; MEA I. Identifiers: Orphanet 652, MedGen C0025267, MeSH D018761, MONDO:0007540, OMIM 131100.

Allele frequency attached by ClinVar (database versions not stated): gnomAD 0.00001; gnomAD exomes 0.00001 and 0.00002; ExAC 0.00002; TOPMed 0.00002.
gnomAD v4.1: 23 of 1,613,994 alleles (0.0014%); highest among the groups gnomAD compares: South Asian, 0.0066%; no homozygotes.

Submissions (6):

Labcorp Genetics (formerly Invitae), Labcorp
Classification: Likely benign for Multiple endocrine neoplasia, type 1. Last evaluated: 2026-01-05. Review status: criteria provided, single submitter. Criteria: Invitae Variant Classification Sherloc (09022015). Collection method: clinical testing. Allele origin: germline.

GeneDx
Classification: Uncertain significance. Last evaluated: 2025-07-29. Review status: criteria provided, single submitter. Criteria: GeneDx Variant Classification Process June 2021. Collection method: clinical testing. Allele origin: germline. Affected: yes.
Comment: Not observed at significant frequency in large population cohorts (gnomAD); In silico analysis supports that this missense variant has a deleterious effect on protein structure/function; Has not been previously published as pathogenic or benign to our knowledge; In silico analysis is inconclusive as to whether the variant alters gene splicing. In the absence of RNA/functional studies, the actual effect of this sequence change is unknown.; This variant is associated with the following publications: (PMID: 9989505, 30869828)

Ambry Genetics
Classification: Likely benign for Hereditary cancer-predisposing syndrome. Last evaluated: 2024-03-25. Review status: criteria provided, single submitter. Criteria: Ambry Variant Classification Scheme 2023. Collection method: clinical testing. Allele origin: germline.

All of Us Research Program, National Institutes of Health
Classification: Uncertain significance for Multiple endocrine neoplasia, type 1. Last evaluated: 2023-12-18. Review status: criteria provided, single submitter. Criteria: ACMG Guidelines, 2015. Collection method: clinical testing. Allele origin: germline. Inheritance: Autosomal dominant inheritance. Observed: 13 variant alleles, 13 heterozygotes.
Comment: This missense variant replaces glycine with serine at codon 214 of the MEN1 protein. Computational prediction suggests that this variant may have deleterious impact on protein structure and function (internally defined REVEL score threshold >= 0.7, PMID: 27666373). To our knowledge, functional studies have not been reported for this variant. This variant has been reported in two individuals in the MEN1 Universal Mutation Database (PMID: 12112656). This variant has been identified in 6/251016 chromosomes in the general population by the Genome Aggregation Database (gnomAD). The available evidence is insufficient to determine the role of this variant in disease conclusively. Therefore, this variant is classified as a Variant of Uncertain Significance.

This study involves interpretation of variants in research participants for the purpose of population health screening. Participant phenotype was not available at the time of variant classification. Additional details can be found in publication PMID: 35346344, PMCID: PMC8962531

Color Diagnostics, LLC DBA Color Health
Classification: Uncertain significance for Multiple endocrine neoplasia, type 1. Last evaluated: 2023-11-28. Review status: criteria provided, single submitter. Criteria: ACMG Guidelines, 2015. Collection method: clinical testing. Allele origin: germline.
Comment: This missense variant replaces glycine with serine at codon 214 of the MEN1 protein. Computational prediction suggests that this variant may have deleterious impact on protein structure and function (internally defined REVEL score threshold >= 0.7, PMID: 27666373). To our knowledge, functional studies have not been reported for this variant. This variant has been reported in two individuals in the MEN1 Universal Mutation Database (PMID: 12112656). This variant has been identified in 6/251016 chromosomes in the general population by the Genome Aggregation Database (gnomAD). The available evidence is insufficient to determine the role of this variant in disease conclusively. Therefore, this variant is classified as a Variant of Uncertain Significance.

Institute for Clinical Genetics, University Hospital TU Dresden, University Hospital TU Dresden
Classification: Uncertain significance. Last evaluated: 2021-11-03. Review status: criteria provided, single submitter. Criteria: ACMG Guidelines, 2015. Collection method: clinical testing. Allele origin: germline.

Literature cited by the submitters: PubMed 30869828 (cited by Ambry Genetics); PubMed 12112656 (cited by All of Us Research Program, National Institutes of Health and Color Diagnostics, LLC DBA Color Health).

NM_001370259.2(MEN1):c.640G>A (p.Gly214Ser)

Gene: MEN1 (menin 1; minus strand). Cytogenetic location: 11q13.1.
Variant type: single nucleotide variant.
Coding change: c.640G>A on transcript NM_001370259.2 (MANE Select); coding-DNA position 640, G replaced by A.
Protein change: p.Gly214Ser; replaces glycine 214 with serine.
Molecular consequence: missense variant. On other transcripts: intron variant (2).
Genome position (GRCh38, 1-based): chr11:64,807,905, C>T on the plus strand (G>A on the coding strand, the complement: MEN1 is on the minus strand). VCF-style: chr11-64807905-C-T. GRCh37 (hg19) VCF-style: chr11-64575377-C-T.
Other names: c.655G>A, p.Gly219Ser (NM_000244.4, NM_130800.3, NM_130801.3 and 3 more transcripts); c.640G>A, p.Gly214Ser (NM_001370251.2, NM_001370260.2, NM_001370261.2 and 1 more transcripts); c.549+91G>A (NM_001370263.2, NM_001370262.2); short protein forms G219S, G214S.
Identifiers: ClinVar variation 219831 (VCV000219831.21), dbSNP rs781493730, ClinGen allele CA061345.